The following is an entry in ClinVar:

ClinVar aggregate classification (germline): Uncertain significance. Review status: criteria provided, multiple submitters, no conflicts (2 of 4 stars). 3 submissions from 3 submitters: Uncertain significance (3). Last evaluated 2022-12-19.

Conditions:
Hereditary cancer-predisposing syndrome. Also called: Hereditary Cancer Syndrome; Hereditary neoplastic syndrome; Neoplastic Syndromes, Hereditary; Tumor predisposition. Identifiers: Orphanet 140162, MedGen C0027672, MeSH D009386, MONDO:0015356.

Allele frequency attached by ClinVar (database versions not stated): gnomAD exomes below 0.00001; ExAC 0.00001; gnomAD 0.00001; 1000 Genomes Project 30x 0.00016; 1000 Genomes Project 0.00020.

Submissions (3):

Quest Diagnostics Nichols Institute San Juan Capistrano
Classification: Uncertain significance. Last evaluated: 2022-12-19. Review status: criteria provided, single submitter. Criteria: Quest Diagnostics criteria. Collection method: clinical testing. Allele origin: unknown.
Comment: The variant has not been reported in the published literature. The frequency of this variant in the general population, 0.000004 (1/251492 chromosomes), is uninformative in assessment of its pathogenicity. Analysis of this variant using bioinformatics tools for the prediction of the effect of amino acid changes on protein structure and function yielded predictions that this variant is benign. Based on the available information, we are unable to determine the clinical significance of this variant.

Sema4
Classification: Uncertain significance for Hereditary cancer-predisposing syndrome. Last evaluated: 2021-10-29. Review status: criteria provided, single submitter. Criteria: Sema4 Curation Guidelines. Collection method: curation. Allele origin: germline.
Comment: The PMS2 c.665G>A (p.S222N) variant has not been reported in the literature to our knowledge. It was observed in 1/16256 chromosomes of the African/African American subpopulation in the large and broad cohorts of the Genome Aggregation Database (PMID: 32461654). The variant has not been reported in ClinVar. Functional studies have not been performed, and in silico predictions of the variant's effect on protein function are inconclusive. The evidence is insufficient to meet ACMG/AMP criteria for classifying the variant as benign or pathogenic. Thus, the clinical significance of this variant is currently uncertain.

Ambry Genetics
Classification: Uncertain significance for Hereditary cancer-predisposing syndrome. Last evaluated: 2019-06-05. Review status: criteria provided, single submitter. Criteria: Ambry Variant Classification Scheme 2023. Collection method: clinical testing. Allele origin: germline.
Comment: The p.S222N variant (also known as c.665G>A), located in coding exon 6 of the PMS2 gene, results from a G to A substitution at nucleotide position 665. The serine at codon 222 is replaced by asparagine, an amino acid with highly similar properties. This amino acid position is not well conserved in available vertebrate species. In addition, this alteration is predicted to be tolerated by in silico analysis. Since supporting evidence is limited at this time, the clinical significance of this alteration remains unclear.

NM_000535.7(PMS2):c.665G>A (p.Ser222Asn)

Gene: PMS2 (PMS1 homolog 2, mismatch repair system component; minus strand). Cytogenetic location: 7p22.1.
Variant type: single nucleotide variant.
Coding change: c.665G>A on transcript NM_000535.7 (MANE Select); coding-DNA position 665, G replaced by A.
Protein change: p.Ser222Asn; replaces serine 222 with asparagine.
Molecular consequence: missense variant. On other transcripts: 5 prime UTR variant (2), non-coding transcript variant (1), intron variant (1).
Genome position (GRCh38, 1-based): chr7:5,999,148, C>T on the plus strand (G>A on the coding strand, the complement: PMS2 is on the minus strand). VCF-style: chr7-5999148-C-T. GRCh37 (hg19) VCF-style: chr7-6038779-C-T.
Other names: c.260G>A, p.Ser87Asn (NM_001322003.2, NM_001322004.2, NM_001322005.2 and 2 more transcripts); c.665G>A, p.Ser222Asn (NM_001322006.2, NM_001322014.2); c.347G>A, p.Ser116Asn (NM_001322007.2, NM_001322008.2); c.-269G>A (NM_001322011.2, NM_001322012.2); c.356G>A, p.Ser119Asn (NM_001322015.2); c.133-1725G>A (NM_001322013.2); c.665G>A (NM_000535.6); short protein forms S116N, S119N, S222N, S87N.
Identifiers: ClinVar variation 1692469 (VCV001692469.4), dbSNP rs560462942, ClinGen allele CA050839.